The following is an entry in ClinVar:

NM_018249.6(CDK5RAP2):c.5152C>G (p.Leu1718Val)

Gene: CDK5RAP2 (CDK5 regulatory subunit associated protein 2; minus strand). Cytogenetic location: 9q33.2.
Variant type: single nucleotide variant.
Coding change: c.5152C>G on transcript NM_018249.6 (MANE Select); coding-DNA position 5152, C replaced by G.
Protein change: p.Leu1718Val; replaces leucine 1718 with valine.
Molecular consequence: missense variant. On other transcripts: non-coding transcript variant (5).
Genome position (GRCh38, 1-based): chr9:120,402,961, G>C on the plus strand (C>G on the coding strand, the complement: CDK5RAP2 is on the minus strand). VCF-style: chr9-120402961-G-C. GRCh37 (hg19) VCF-style: chr9-123165239-G-C.
Other names: c.4915C>G, p.Leu1639Val (NM_001011649.3); c.4462C>G, p.Leu1488Val (NM_001272039.2); short protein forms L1718V, L1488V, L1639V.
Identifiers: ClinVar variation 158156 (VCV000158156.58), dbSNP rs141004029, ClinGen allele CA271228.

ClinVar aggregate classification (germline): Conflicting classifications of pathogenicity. Review status: criteria provided, conflicting classifications (1 of 4 stars). 6 submissions from 6 submitters: Uncertain significance (4); Likely benign (1). 1 of the submissions does not count toward it. Last evaluated 2025-01-27.

Conditions:
Inborn genetic diseases. Identifiers: MedGen C0950123, MeSH D030342.
Microcephaly 3, primary, autosomal recessive. Identifiers: Orphanet 2512, MedGen C1858108, MONDO:0011488, OMIM 604804.

Allele frequency attached by ClinVar (database versions not stated): TOPMed 0.00063; ESP Exome Variant Server 0.00069; 1000 Genomes Project 0.00080; gnomAD exomes 0.00080; gnomAD 0.00058; 1000 Genomes Project 30x 0.00062; ExAC 0.00097.
gnomAD v4.1: 1,430 of 1,614,200 alleles (0.089%); highest among the groups gnomAD compares: Middle Eastern, 0.2%; 4 homozygotes.

Submissions (6):

Labcorp Genetics (formerly Invitae), Labcorp
Classification: Uncertain significance. Last evaluated: 2025-01-27. Review status: criteria provided, single submitter. Criteria: Invitae Variant Classification Sherloc (09022015). Collection method: clinical testing. Allele origin: germline.
Comment: This sequence change replaces leucine, which is neutral and non-polar, with valine, which is neutral and non-polar, at codon 1718 of the CDK5RAP2 protein (p.Leu1718Val). This variant is present in population databases (rs141004029, gnomAD 0.1%), and has an allele count higher than expected for a pathogenic variant. This variant has not been reported in the literature in individuals affected with CDK5RAP2-related conditions. ClinVar contains an entry for this variant (Variation ID: 158156). An algorithm developed to predict the effect of missense changes on protein structure and function outputs the following: PolyPhen-2: "Benign". The valine amino acid residue is found in multiple mammalian species, which suggests that this missense change does not adversely affect protein function. In summary, the available evidence is currently insufficient to determine the role of this variant in disease. Therefore, it has been classified as a Variant of Uncertain Significance.

CeGaT Center for Human Genetics Tuebingen
Classification: Likely benign. Last evaluated: 2024-04-01. Review status: criteria provided, single submitter. Criteria: CeGaT Center For Human Genetics Tuebingen Variant Classification Criteria Version 2. Collection method: clinical testing. Allele origin: germline. Affected: yes. Observed: 2 variant alleles.
Comment: CDK5RAP2: BP4

Ambry Genetics
Classification: Uncertain significance for Inborn genetic diseases. Last evaluated: 2023-06-02. Review status: criteria provided, single submitter. Criteria: Ambry Variant Classification Scheme 2023. Collection method: clinical testing. Allele origin: germline.

Illumina Laboratory Services, Illumina
Classification: Uncertain significance for Microcephaly 3, primary, autosomal recessive. Last evaluated: 2018-01-12. Review status: criteria provided, single submitter. Criteria: ICSL Variant Classification Criteria 13 December 2019. Collection method: clinical testing. Allele origin: germline.

Mayo Clinic Laboratories, Mayo Clinic
Classification: Uncertain significance for Microcephaly 3, primary, autosomal recessive. Last evaluated: 2017-09-08. Review status: criteria provided, single submitter. Criteria: ACMG Guidelines, 2015. Collection method: clinical testing. Allele origin: paternal.

Genetic Services Laboratory, University of Chicago
Classification: Uncertain significance for Microcephaly 3, primary, autosomal recessive. Last evaluated: 2021-11-16. Review status: no assertion criteria provided. Collection method: clinical testing. Allele origin: germline. Affected: yes. Not counted in ClinVar's aggregate classification.
Comment: DNA sequence analysis of the CDK5RAP2 gene demonstrated a sequence change, c.5152C>G, in exon 34 that results in an amino acid change, p.Leu1718Val. This sequence change has been described in the gnomAD database with a frequency of 0.12%in the South Asian subpopulation (dbSNP rs141004029). The p.Leu1718Val change affects a moderately conserved amino acid residue located in a domain of the CDK5RAP2 protein that is not known to be functional. In-silico pathogenicity prediction tools (SIFT, PolyPhen2, Align GVGD, REVEL) provide contradictory results for the p.Leu1718Val substitution. This sequence change does not appear to have been previously described in individuals with CDK5RAP2-related disorders. Due to insufficient evidences and the lack of functional studies, the clinical significance of the p.Leu1718Val change remains unknown at this time.